The following is an entry in ClinVar:

ClinVar aggregate classification (germline): Likely benign. Review status: criteria provided, single submitter (1 of 4 stars). 2 submissions from 2 submitters: Likely benign (1). 1 of the submissions does not count toward it. Last evaluated 2025-10-21.

Conditions:
GDF6-related disorder. Also called: GDF6-related condition.
Klippel-Feil syndrome 1, autosomal dominant (KFS1). Also called: CERVICAL VERTEBRAL FUSION, AUTOSOMAL DOMINANT. Identifiers: Orphanet 2345, MedGen C1861689, MONDO:0007306, OMIM 118100.
Isolated microphthalmia 4. Identifiers: Orphanet 2542, MedGen C2751307, MONDO:0013130, OMIM 613094.
Microphthalmia, isolated, with coloboma 6 (MCOPCB6). Also called: MICROPHTHALMIA/COLOBOMA 6; Microphthalmia with coloboma 6, digenic; Microphthalmia with coloboma 6. Identifiers: Orphanet 98938, MedGen C3150968, MONDO:0013376, OMIM 613703.
Leber congenital amaurosis 17 (LCA17). Identifiers: Orphanet 65, MedGen C3715164, MONDO:0014145, OMIM 615360.

Allele frequency attached by ClinVar (database versions not stated): gnomAD exomes 0.00001 and 0.00005; ExAC 0.00006; gnomAD 0.00009; TOPMed 0.00009; ESP Exome Variant Server 0.00015; 1000 Genomes Project 30x 0.00031; 1000 Genomes Project 0.00040.

Submissions (2):

Labcorp Genetics (formerly Invitae), Labcorp
Classification: Likely benign for Isolated microphthalmia 4; Leber congenital amaurosis 17; Klippel-Feil syndrome 1, autosomal dominant; Microphthalmia, isolated, with coloboma 6. Last evaluated: 2025-10-21. Review status: criteria provided, single submitter. Criteria: Invitae Variant Classification Sherloc (09022015). Collection method: clinical testing. Allele origin: germline.

PreventionGenetics, part of Exact Sciences
Classification: Likely benign for GDF6-related condition. Last evaluated: 2019-08-28. Review status: no assertion criteria provided. Collection method: clinical testing. Allele origin: germline. Not counted in ClinVar's aggregate classification.
Comment: This variant is classified as likely benign based on ACMG/AMP sequence variant interpretation guidelines (Richards et al. 2015 PMID: 25741868, with internal and published modifications).

NM_001001557.4(GDF6):c.90C>G (p.Ser30=)

Gene: GDF6 (growth differentiation factor 6; minus strand). Cytogenetic location: 8q22.1.
Variant type: single nucleotide variant.
Coding change: c.90C>G on transcript NM_001001557.4 (MANE Select); coding-DNA position 90, C replaced by G.
Protein change: p.Ser30=; no amino-acid change (serine 30 retained).
Molecular consequence: synonymous variant.
Genome position (GRCh38, 1-based): chr8:96,160,603, G>C on the plus strand (C>G on the coding strand, the complement: GDF6 is on the minus strand). VCF-style: chr8-96160603-G-C. GRCh37 (hg19) VCF-style: chr8-97172831-G-C.
Other names: c.90C>G (NM_001001557.3).
Identifiers: ClinVar variation 794822 (VCV000794822.11), dbSNP rs143020575, ClinGen allele CA4815557.